The following is an entry in ClinVar:

NM_001194998.2(CEP152):c.3779G>A (p.Gly1260Glu)

Gene: CEP152 (centrosomal protein 152; minus strand). Cytogenetic location: 15q21.1.
Variant type: single nucleotide variant.
Coding change: c.3779G>A on transcript NM_001194998.2 (MANE Select); coding-DNA position 3779, G replaced by A.
Protein change: p.Gly1260Glu; replaces glycine 1260 with glutamic acid.
Molecular consequence: missense variant.
Genome position (GRCh38, 1-based): chr15:48,744,296, C>T on the plus strand (G>A on the coding strand, the complement: CEP152 is on the minus strand). VCF-style: chr15-48744296-C-T. GRCh37 (hg19) VCF-style: chr15-49036493-C-T.
Other names: c.3611G>A, p.Gly1204Glu (NM_014985.4); short protein forms G1204E, G1260E.
Identifiers: ClinVar variation 316413 (VCV000316413.7), dbSNP rs778040674, ClinGen allele CA7548274.

ClinVar aggregate classification (germline): Uncertain significance. Review status: criteria provided, multiple submitters, no conflicts (2 of 4 stars). 4 submissions from 3 submitters: Uncertain significance (4). Last evaluated 2026-09-11.

Conditions:
Inborn genetic diseases. Identifiers: MedGen C0950123, MeSH D030342.
Microcephaly 9, primary, autosomal recessive. Identifiers: Orphanet 2512, MedGen C3553886, MONDO:0013923, OMIM 614852.
Seckel syndrome 5 (SCKL5). Identifiers: Orphanet 808, MedGen C3151187, MONDO:0013443, OMIM 613823.

Allele frequency attached by ClinVar (database versions not stated): ExAC 0.00003; gnomAD exomes 0.00006 and 0.00002; gnomAD 0.00001 and 0.00002; TOPMed 0.00003.
gnomAD v4.1: 94 of 1,613,898 alleles (0.0058%); highest among the groups gnomAD compares: Non-Finnish European, 0.0076%; no homozygotes.

Submissions (4):

Ambry Genetics
Classification: Uncertain significance for Inborn genetic diseases. Last evaluated: 2026-09-11. Review status: criteria provided, single submitter. Criteria: Ambry Variant Classification Scheme 2023. Collection method: clinical testing. Allele origin: germline.

Labcorp Genetics (formerly Invitae), Labcorp
Classification: Uncertain significance. Last evaluated: 2021-12-18. Review status: criteria provided, single submitter. Criteria: Invitae Variant Classification Sherloc (09022015). Collection method: clinical testing. Allele origin: germline.
Comment: This sequence change replaces glycine, which is neutral and non-polar, with glutamic acid, which is acidic and polar, at codon 1204 of the CEP152 protein (p.Gly1204Glu). This variant is present in population databases (rs778040674, gnomAD 0.004%). This variant has not been reported in the literature in individuals affected with CEP152-related conditions. ClinVar contains an entry for this variant (Variation ID: 316413). Algorithms developed to predict the effect of missense changes on protein structure and function output the following: SIFT: "Tolerated"; PolyPhen-2: "Benign"; Align-GVGD: "Class C0". The glutamic acid amino acid residue is found in multiple mammalian species, which suggests that this missense change does not adversely affect protein function. In summary, the available evidence is currently insufficient to determine the role of this variant in disease. Therefore, it has been classified as a Variant of Uncertain Significance.

Illumina Laboratory Services, Illumina
Classification: Uncertain significance for Microcephaly 9, primary, autosomal recessive. Last evaluated: 2018-01-12. Review status: criteria provided, single submitter. Criteria: ICSL Variant Classification Criteria 13 December 2019. Collection method: clinical testing. Allele origin: germline.

Illumina Laboratory Services, Illumina
Classification: Uncertain significance for Seckel syndrome 5. Last evaluated: 2018-01-12. Review status: criteria provided, single submitter. Criteria: ICSL Variant Classification Criteria 13 December 2019. Collection method: clinical testing. Allele origin: germline.